The following is an entry in ClinVar:

ClinVar aggregate classification (germline): Uncertain significance (1 of 4 stars; one submission).

Conditions:
Developmental and epileptic encephalopathy, 53. Also called: Epileptic encephalopathy, early infantile, 53. Identifiers: MedGen C4479313, MONDO:0033362, OMIM 617389.
Early-onset Parkinson disease 20. Also called: PARKINSON DISEASE 20, AUTOSOMAL RECESSIVE EARLY-ONSET. Identifiers: Orphanet 391411, MedGen C3809824, MONDO:0014233, OMIM 615530.

Submission:

Labcorp Genetics (formerly Invitae), Labcorp
Classification: Uncertain significance for Developmental and epileptic encephalopathy, 53; Early-onset Parkinson disease 20. Last evaluated: 2024-02-24. Review status: criteria provided, single submitter. Criteria: Invitae Variant Classification Sherloc (09022015). Collection method: clinical testing. Allele origin: germline.
Comment: This sequence change replaces leucine, which is neutral and non-polar, with phenylalanine, which is neutral and non-polar, at codon 722 of the SYNJ1 protein (p.Leu722Phe). This variant is not present in population databases (gnomAD no frequency). This variant has not been reported in the literature in individuals affected with SYNJ1-related conditions. ClinVar contains an entry for this variant (Variation ID: 839942). Advanced modeling of protein sequence and biophysical properties (such as structural, functional, and spatial information, amino acid conservation, physicochemical variation, residue mobility, and thermodynamic stability) performed at Invitae indicates that this missense variant is not expected to disrupt SYNJ1 protein function with a negative predictive value of 80%. In summary, the available evidence is currently insufficient to determine the role of this variant in disease. Therefore, it has been classified as a Variant of Uncertain Significance.

NM_203446.3(SYNJ1):c.2047C>T (p.Leu683Phe)

Gene: SYNJ1 (synaptojanin 1; minus strand). Cytogenetic location: 21q22.11.
Variant type: single nucleotide variant.
Coding change: c.2047C>T on transcript NM_203446.3 (MANE Select); coding-DNA position 2047, C replaced by T.
Protein change: p.Leu683Phe; replaces leucine 683 with phenylalanine.
Molecular consequence: missense variant.
Genome position (GRCh38, 1-based): chr21:32,666,041, G>A on the plus strand (C>T on the coding strand, the complement: SYNJ1 is on the minus strand). VCF-style: chr21-32666041-G-A. GRCh37 (hg19) VCF-style: chr21-34038351-G-A.
Other names: c.2047C>T, p.Leu683Phe (NM_001160302.2); c.2032C>T, p.Leu678Phe (NM_001160306.2); c.2164C>T, p.Leu722Phe (NM_003895.4); short protein forms L683F, L678F, L722F.
Identifiers: ClinVar variation 839942 (VCV000839942.10), dbSNP rs2040916269, ClinGen allele CA410079491.